The following is an entry in ClinVar:

ClinVar aggregate classification (germline): Uncertain significance (1 of 4 stars; one submission).

Conditions:
Bethlem myopathy 1A. Also called: MYOPATHY, BENIGN CONGENITAL, WITH CONTRACTURES; Bethlem Muscular Dystrophy; Bethlem myopathy 1. Identifiers: Orphanet 610, MedGen CN029274, MONDO:0024530, OMIM 158810.

Allele frequency attached by ClinVar (database versions not stated): gnomAD exomes below 0.00001; TOPMed 0.00002.
gnomAD v4.1: 2 of 1,614,236 alleles (0.00012%); highest among the groups gnomAD compares: Non-Finnish European, 0.00017%; no homozygotes.

Submission:

Labcorp Genetics (formerly Invitae), Labcorp
Classification: Uncertain significance for Bethlem myopathy 1A. Last evaluated: 2021-08-02. Review status: criteria provided, single submitter. Criteria: Invitae Variant Classification Sherloc (09022015). Collection method: clinical testing. Allele origin: germline.
Comment: In summary, the available evidence is currently insufficient to determine the role of this variant in disease. Therefore, it has been classified as a Variant of Uncertain Significance. This sequence change replaces serine with asparagine at codon 1570 of the COL6A3 protein (p.Ser1570Asn). The serine residue is moderately conserved and there is a small physicochemical difference between serine and asparagine. This variant is not present in population databases (ExAC no frequency). This variant has not been reported in the literature in individuals with COL6A3-related conditions. Advanced modeling of protein sequence and biophysical properties (such as structural, functional, and spatial information, amino acid conservation, physicochemical variation, residue mobility, and thermodynamic stability) performed at Invitae indicates that this missense variant is not expected to disrupt COL6A3 protein function.

NM_004369.4(COL6A3):c.4709G>A (p.Ser1570Asn)

Gene: COL6A3 (collagen type VI alpha 3 chain; minus strand). Cytogenetic location: 2q37.3.
Variant type: single nucleotide variant.
Coding change: c.4709G>A on transcript NM_004369.4 (MANE Select); coding-DNA position 4709, G replaced by A.
Protein change: p.Ser1570Asn; replaces serine 1570 with asparagine.
Molecular consequence: missense variant.
Genome position (GRCh38, 1-based): chr2:237,368,754, C>T on the plus strand (G>A on the coding strand, the complement: COL6A3 is on the minus strand). VCF-style: chr2-237368754-C-T. GRCh37 (hg19) VCF-style: chr2-238277397-C-T.
Other names: c.2888G>A, p.Ser963Asn (NM_057166.5); c.4091G>A, p.Ser1364Asn (NM_057167.4); short protein forms S963N, S1364N, S1570N.
Identifiers: ClinVar variation 1435545 (VCV001435545.8), dbSNP rs1473351823, ClinGen allele CA351192413.